The following is an entry in ClinVar:

NM_000330.4(RS1):c.177T>G (p.Cys59Trp)

Gene: RS1 (retinoschisin 1; minus strand). Cytogenetic location: Xp22.13.
Variant type: single nucleotide variant.
Coding change: c.177T>G on transcript NM_000330.4 (MANE Select); coding-DNA position 177, T replaced by G.
Protein change: p.Cys59Trp; replaces cysteine 59 with tryptophan.
Molecular consequence: missense variant.
Genome position (GRCh38, 1-based): chrX:18,656,660, A>C on the plus strand (T>G on the coding strand, the complement: RS1 is on the minus strand). VCF-style: chrX-18656660-A-C. GRCh37 (hg19) VCF-style: chrX-18674780-A-C.
Other names: NM_000330.4:c.177T>G; short protein forms C59W.
Identifiers: ClinVar variation 4279582 (VCV004279582.1).

ClinVar aggregate classification (germline): Likely pathogenic (3 of 4 stars; one submission).

Conditions:
Juvenile retinoschisis (RS1). Also called: X-linked retinoschisis; X-Linked Juvenile Retinoschisis. Identifiers: Orphanet 792, MedGen C3714753, MONDO:0010725, OMIM 312700.

Submission:

ClinGen X-linked Inherited Retinal Disease Variant Curation Expert Panel, ClinGen
Classification: Likely pathogenic for Juvenile retinoschisis. Last evaluated: 2025-10-03. Review status: reviewed by expert panel. Criteria: ClinGen X LinkedIRD ACMG Specifications RS1 V1.0.0. Collection method: curation. Allele origin: germline. Inheritance: X-linked inheritance.
Comment: NM_000330.4(RS1):c.177T>G (p.Cys59Trp) is a missense variant encoding the substitution of cysteine with tryptophan at amino acid 59, which is a critical amino acid residue involved in disulfide bridge formation as defined by the ClinGen X-linked IRD VCEP (PMID: 26812435, PM1_Strong). Another missense variant in the same codon, NM_000330.4(RS1):c.175T>A (p.Cys59Ser), (PMIDs: 31174210, 10450864, 17987333, 9618178) has been classified as pathogenic for X-linked retinoschisis by the ClinGen X-linked IRD VCEP, while no benign missense variants have been identified in this codon. The present variant has a higher Grantham’s distance (215) than the comparison variant (112), and SpliceAI has been used to confirm that neither variant has a predicted impact on RS1 splicing (PM5). This variant is absent from hemizygous individuals in gnomAD v4.1.0 (PM2_Supporting). The computational predictor REVEL gives a score of 0.724, which is within the ClinGen X-linked IRD VCEP range of 0.772 to 0.644 and predicts a damaging effect on RS1 function. The PM1_strong code is ineligible to be used in combination with the PP3 code, and therefore, this code was not met. The computational splicing predictor SpliceAI gives a delta score of 0.00 for all predictive splice changes, which is below the ClinGen X-linked IRD VCEP threshold of >0.2 and does not predict that the variant disrupts RS1 splicing. In summary, this variant is classified as likely pathogenic for X-linked retinoschisis based on the ClinGen X-linked Inherited Retinal Disease Expert Panel Specifications to the ACMG/AMP Variant Interpretation Guidelines for RS1 Version 1.0.0: PM2_Supporting, PM1_Strong, and PM5.